The following is an entry in ClinVar:

NM_000138.5(FBN1):c.2368T>C (p.Cys790Arg)

Gene: FBN1 (fibrillin 1; minus strand). Cytogenetic location: 15q21.1.
Variant type: single nucleotide variant.
Coding change: c.2368T>C on transcript NM_000138.5 (MANE Select); coding-DNA position 2368, T replaced by C.
Protein change: p.Cys790Arg; replaces cysteine 790 with arginine.
Molecular consequence: missense variant.
Genome position (GRCh38, 1-based): chr15:48,496,151, A>G on the plus strand (T>C on the coding strand, the complement: FBN1 is on the minus strand). VCF-style: chr15-48496151-A-G. GRCh37 (hg19) VCF-style: chr15-48788348-A-G.
Other names: short protein forms C790R.
Identifiers: ClinVar variation 1421673 (VCV001421673.8), dbSNP rs1555399270, ClinGen allele CA392335397.

ClinVar aggregate classification (germline): Pathogenic (1 of 4 stars; one submission).

Conditions:
Marfan syndrome (MFS). Also called: MARFAN SYNDROME, TYPE I; Marfan syndrome type 1; Marfan's syndrome; Marfan syndrome, classic; FBN1-Related Marfan Syndrome. Identifiers: Orphanet 284963, Orphanet 558, MedGen C0024796, MONDO:0007947, OMIM 154700.
Familial thoracic aortic aneurysm and aortic dissection (TAAD). Also called: Thoracic aortic aneurysms and dissections. Identifiers: Orphanet 91387, MedGen C4707243, MONDO:0019625.

Submission:

Labcorp Genetics (formerly Invitae), Labcorp
Classification: Pathogenic for Marfan syndrome; Familial thoracic aortic aneurysm and aortic dissection. Last evaluated: 2025-06-24. Review status: criteria provided, single submitter. Criteria: Invitae Variant Classification Sherloc (09022015). Collection method: clinical testing. Allele origin: germline.
Comment: This sequence change replaces cysteine, which is neutral and slightly polar, with arginine, which is basic and polar, at codon 790 of the FBN1 protein (p.Cys790Arg). This variant is not present in population databases (gnomAD no frequency). This variant has not been reported in the literature in individuals affected with FBN1-related conditions. ClinVar contains an entry for this variant (Variation ID: 1421673). Invitae Evidence Modeling of protein sequence and biophysical properties (such as structural, functional, and spatial information, amino acid conservation, physicochemical variation, residue mobility, and thermodynamic stability) indicates that this missense variant is expected to disrupt FBN1 protein function with a positive predictive value of 95%. This variant affects a cysteine residue in the EGF-like, TGFBP or hybrid motif domains of FBN1. Cysteine residues are believed to be involved in intramolecular disulfide bridges and have been shown to be important for FBN1 protein structure (PMID: 16905551, 19349279). In addition, missense substitutions affecting cysteine residues within these domains are significantly overrepresented among patients with Marfan syndrome (PMID: 16571647, 17701892). This variant disrupts the p.Cys790 amino acid residue in FBN1. Other variant(s) that disrupt this residue have been observed in individuals with FBN1-related conditions (PMID: 19293843, 21542060, 22876116, 27906200), which suggests that this may be a clinically significant amino acid residue. For these reasons, this variant has been classified as Pathogenic.

Literature cited by the submitters: PubMed 16905551; PubMed 19349279; PubMed 16571647; PubMed 17701892; PubMed 19293843; PubMed 21542060; PubMed 22876116; PubMed 27906200.